The following is an entry in ClinVar:

ClinVar aggregate classification (germline): Uncertain significance (1 of 4 stars; one submission).

gnomAD v4.1: 1 of 1,614,104 alleles (0.000062%); no homozygotes.

Submission:

Labcorp Genetics (formerly Invitae), Labcorp
Classification: Uncertain significance. Last evaluated: 2023-07-29. Review status: criteria provided, single submitter. Criteria: Invitae Variant Classification Sherloc (09022015). Collection method: clinical testing. Allele origin: germline.
Comment: An algorithm developed to predict the effect of missense changes on protein structure and function (PolyPhen-2) suggests that this variant is likely to be tolerated. This sequence change replaces proline, which is neutral and non-polar, with arginine, which is basic and polar, at codon 145 of the GPR45 protein (p.Pro145Arg). This variant is not present in population databases (gnomAD no frequency). This variant has not been reported in the literature in individuals affected with GPR45-related conditions. ClinVar contains an entry for this variant (Variation ID: 2098643). In summary, the available evidence is currently insufficient to determine the role of this variant in disease. Therefore, it has been classified as a Variant of Uncertain Significance.

NM_007227.3(GPR45):c.434C>G (p.Pro145Arg)

Gene: GPR45 (G protein-coupled receptor 45; plus strand). Cytogenetic location: 2q12.1.
Variant type: single nucleotide variant.
Coding change: c.434C>G on transcript NM_007227.3 (MANE Select); coding-DNA position 434, C replaced by G.
Protein change: p.Pro145Arg; replaces proline 145 with arginine.
Molecular consequence: missense variant.
Genome position (GRCh38, 1-based): chr2:105,242,292, C>G. VCF-style: chr2-105242292-C-G. GRCh37 (hg19) VCF-style: chr2-105858749-C-G.
Other names: short protein forms P145R.
Identifiers: ClinVar variation 2098643 (VCV002098643.4), dbSNP rs766303852, ClinGen allele CA348100135.